The following is an entry in ClinVar:

NM_020461.4(TUBGCP6):c.3989C>T (p.Ser1330Phe)

Gene: TUBGCP6 (tubulin gamma complex component 6; minus strand). Cytogenetic location: 22q13.33.
Variant type: single nucleotide variant.
Coding change: c.3989C>T on transcript NM_020461.4 (MANE Select); coding-DNA position 3989, C replaced by T.
Protein change: p.Ser1330Phe; replaces serine 1330 with phenylalanine.
Molecular consequence: missense variant.
Genome position (GRCh38, 1-based): chr22:50,220,370, G>A on the plus strand (C>T on the coding strand, the complement: TUBGCP6 is on the minus strand). VCF-style: chr22-50220370-G-A. GRCh37 (hg19) VCF-style: chr22-50658799-G-A.
Other names: short protein forms S1330F.
Identifiers: ClinVar variation 1350452 (VCV001350452.6), dbSNP rs368745421, ClinGen allele CA10307769.

ClinVar aggregate classification (germline): Uncertain significance (1 of 4 stars; one submission).

Allele frequency attached by ClinVar (database versions not stated): gnomAD exomes below 0.00001 and 0.00001; TOPMed below 0.00001; gnomAD 0.00001; ExAC 0.00002; ESP Exome Variant Server 0.00008.
gnomAD v4.1: 6 of 1,560,078 alleles (0.00038%); highest among the groups gnomAD compares: East Asian, 0.0069%; no homozygotes.

Submission:

Labcorp Genetics (formerly Invitae), Labcorp
Classification: Uncertain significance. Last evaluated: 2023-11-13. Review status: criteria provided, single submitter. Criteria: Invitae Variant Classification Sherloc (09022015). Collection method: clinical testing. Allele origin: germline.
Comment: This sequence change replaces serine, which is neutral and polar, with phenylalanine, which is neutral and non-polar, at codon 1330 of the TUBGCP6 protein (p.Ser1330Phe). This variant is present in population databases (rs368745421, gnomAD 0.02%). This variant has not been reported in the literature in individuals affected with TUBGCP6-related conditions. ClinVar contains an entry for this variant (Variation ID: 1350452). An algorithm developed to predict the effect of missense changes on protein structure and function (PolyPhen-2) suggests that this variant¬†is likely to be tolerated. In summary, the available evidence is currently insufficient to determine the role of this variant in disease. Therefore, it has been classified as a Variant of Uncertain Significance.